The following is an entry in ClinVar:

NM_006662.3(SRCAP):c.5314C>A (p.Pro1772Thr)

Gene: SRCAP (Snf2 related CREBBP activator protein; plus strand). Cytogenetic location: 16p11.2.
Variant type: single nucleotide variant.
Coding change: c.5314C>A on transcript NM_006662.3 (MANE Select); coding-DNA position 5314, C replaced by A.
Protein change: p.Pro1772Thr; replaces proline 1772 with threonine.
Molecular consequence: missense variant.
Genome position (GRCh38, 1-based): chr16:30,724,738, C>A. VCF-style: chr16-30724738-C-A. GRCh37 (hg19) VCF-style: chr16-30736059-C-A.
Other names: short protein forms P1772T.
Identifiers: ClinVar variation 4807383 (VCV004807383.1).

ClinVar aggregate classification (germline): Uncertain significance (1 of 4 stars; one submission).

Submission:

Labcorp Genetics (formerly Invitae), Labcorp
Classification: Uncertain significance. Last evaluated: 2026-01-18. Review status: criteria provided, single submitter. Criteria: Invitae Variant Classification Sherloc (09022015). Collection method: clinical testing. Allele origin: germline.
Comment: This sequence change replaces proline, which is neutral and non-polar, with threonine, which is neutral and polar, at codon 1772 of the SRCAP protein (p.Pro1772Thr). This variant is not present in population databases (gnomAD no frequency). This variant has not been reported in the literature in individuals affected with SRCAP-related conditions. An algorithm developed to predict the effect of missense changes on protein structure and function outputs the following: PolyPhen-2: "Probably Damaging". The threonine amino acid residue is found in multiple mammalian species, which suggests that this missense change does not adversely affect protein function. In summary, the available evidence is currently insufficient to determine the role of this variant in disease. Therefore, it has been classified as a Variant of Uncertain Significance.